The following is an entry in ClinVar:

NM_145117.5(NAV2):c.64_68del (p.Ala22fs)

Genes: LEISA1 (lncRNA enhancing IL-6/STAT3 signaling activation 1; minus strand), NAV2 (neuron navigator 2; plus strand). Cytogenetic location: 11p15.1.
Variant type: Microsatellite.
Coding change: c.64_68del on transcript NM_145117.5 (MANE Select); coding-DNA positions 64 to 68, 5 bases deleted (GCGCC; older notation c.64_68delGCGCC).
Protein change: p.Ala22fs; shifts the reading frame from alanine 22.
Molecular consequence: frameshift variant. On other transcripts: non-coding transcript variant (1), intron variant (1).
Genome position (GRCh38, 1-based): chr11:19,713,759-19,713,763, GCGCC deleted; deleting any 5 consecutive bases within chr11:19,713,754-19,713,763 gives the same sequence; the c. name uses the placement nearest the transcript's 3' end. VCF-style (leftmost placement, unchanged base first): chr11-19713753-AGCGCC-A. GRCh37 (hg19) VCF-style: chr11-19735299-AGCGCC-A.
Other names: c.64_68del, p.Ala22fs (NM_001244963.2, NM_182964.6); c.76-118725_76-118721del (NM_001111018.2); short protein forms A22fs.
Identifiers: ClinVar variation 4886346 (VCV004886346.2).
Genomic context (GRCh38, chr11:19,713,753, plus strand): 5'-AAGATGCCGGCCATCCTGGTCGCCTCCAAAATGAAGTCGGGACTGCCCAAACCCGTGCAC[AGCGCC>A]GCGCCCATCCTGCACGTGCCCCCGGCCCGGGCGGGCCCCCAGCCCTGCTACCTGAAGTTG-3'

ClinVar aggregate classification (germline): Uncertain significance (1 of 4 stars; one submission).

Submission:

Dasa
Classification: Uncertain significance. Last evaluated: 2025-09-24. Review status: criteria provided, single submitter. Criteria: DASA Assertion Criteria. Collection method: clinical testing. Allele origin: germline.
Comment: NM_145117.5(NAV2):c.64_68del (p.Ala22Hisfs*31) is a frameshift variant in NAV2 predicted to alter the reading frame and introduce a premature termination codon. This variant is rare in population databases. The currently available literature and clinical evidence are not sufficient to establish a definitive association between this variant and the reported condition. Therefore, this variant is classified as a variant of uncertain significance.